The following is an entry in ClinVar:

NM_001563.4(IMPG1):c.291T>G (p.Tyr97Ter)

Gene: IMPG1 (interphotoreceptor matrix proteoglycan 1; minus strand). Cytogenetic location: 6q14.1.
Variant type: single nucleotide variant.
Coding change: c.291T>G on transcript NM_001563.4 (MANE Select); coding-DNA position 291, T replaced by G.
Protein change: p.Tyr97Ter; replaces tyrosine 97 with a stop codon.
Molecular consequence: nonsense. On other transcripts: intron variant (1).
Genome position (GRCh38, 1-based): chr6:76,041,903, A>C on the plus strand (T>G on the coding strand, the complement: IMPG1 is on the minus strand). VCF-style: chr6-76041903-A-C. GRCh37 (hg19) VCF-style: chr6-76751620-A-C.
Other names: c.68-7116T>G (NM_001282368.2); short protein forms Y97*.
Identifiers: ClinVar variation 1392193 (VCV001392193.6), dbSNP rs1357627980, ClinGen allele CA364829549.

ClinVar aggregate classification (germline): Pathogenic (1 of 4 stars; one submission).

Submission:

Labcorp Genetics (formerly Invitae), Labcorp
Classification: Pathogenic. Last evaluated: 2024-10-29. Review status: criteria provided, single submitter. Criteria: Invitae Variant Classification Sherloc (09022015). Collection method: clinical testing. Allele origin: germline.
Comment: This sequence change creates a premature translational stop signal (p.Tyr97*) in the IMPG1 gene. It is expected to result in an absent or disrupted protein product. Loss-of-function variants in IMPG1 are known to be pathogenic (PMID: 23993198). This variant is not present in population databases (gnomAD no frequency). This variant has not been reported in the literature in individuals affected with IMPG1-related conditions. ClinVar contains an entry for this variant (Variation ID: 1392193). For these reasons, this variant has been classified as Pathogenic.

Literature cited by the submitters: PubMed 23993198.